The following continues an entry in ClinVar:

NM_000059.4(BRCA2):c.1689G>A (p.Trp563Ter)

Gene: BRCA2. ClinVar aggregate classification (germline): Pathogenic. Pathogenic (1).

Submissions 12 to 17 of 17:

Color Diagnostics, LLC DBA Color Health
Classification: Pathogenic for Hereditary cancer-predisposing syndrome. Last evaluated: 2022-03-01. Review status: criteria provided, single submitter. Criteria: ACMG Guidelines, 2015. Collection method: clinical testing. Allele origin: germline. Not counted in ClinVar's aggregate classification.
Comment: This variant changes 1 nucleotide in exon 10 of the BRCA2 gene, creating a premature translation stop signal. This variant is expected to result in an absent or non-functional protein product. This variant has been detected in 6 individuals affected with breast cancer and 1 individual affected with ovarian cancer (PMID: 29262651, 33471991; Leiden Open Variation Database DB-ID BRCA2_001852). This variant has been identified in 1/251158 chromosomes in the general population by the Genome Aggregation Database (gnomAD). Loss of BRCA2 function is a known mechanism of disease. Based on the available evidence, this variant is classified as Pathogenic.

Consortium of Investigators of Modifiers of BRCA1/2 (CIMBA), c/o University of Cambridge
Classification: Pathogenic for Breast-ovarian cancer, familial, susceptibility to, 2. Last evaluated: 2015-10-02. Review status: criteria provided, single submitter. Criteria: CIMBA Mutation Classification guidelines May 2016. Collection method: clinical testing. Allele origin: germline. Not counted in ClinVar's aggregate classification.

Counsyl
Classification: Likely pathogenic for Breast-ovarian cancer, familial, susceptibility to, 2. Last evaluated: 2016-05-23. Review status: no assertion criteria provided. Collection method: clinical testing. Allele origin: unknown. Not counted in ClinVar's aggregate classification.

Research Molecular Genetics Laboratory, Women's College Hospital, University of Toronto
Classification: Pathogenic for Hereditary breast ovarian cancer syndrome. Last evaluated: 2014-01-31. Review status: no assertion criteria provided. Collection method: research. Allele origin: germline. Affected: yes. Study: The Canadian Open Genetics Repository (COGR). Not counted in ClinVar's aggregate classification.

Breast Cancer Information Core (BIC) (BRCA2)
Classification: Pathogenic for Breast-ovarian cancer, familial 2. Last evaluated: 2002-05-29. Review status: no assertion criteria provided. Collection method: clinical testing. Allele origin: germline. Affected: yes. Observed: 6 variant alleles. Not counted in ClinVar's aggregate classification.

Department of Pathology and Laboratory Medicine, Sinai Health System
Classification: Pathogenic for Malignant tumor of breast. Review status: no assertion criteria provided. Collection method: clinical testing. Allele origin: unknown. Affected: yes. Study: The Canadian Open Genetics Repository (COGR). Not counted in ClinVar's aggregate classification.
Comment: The BRCA2 p.Trp563X variant was identified in 1 of 880 proband chromosomes (frequency: 0.001) from individuals or families across several ethnicities with ovarian, male breast, pancreatic, prostate, colon, stomach and melanoma cancers (Lubinski 2004). The variant was also identified in ClinVar as pathogenic by Evidence-based Network for the interpretation of Germline Mutant Alleles, in Consortium of Investigators of Modifiers of BRCA1/2, in Invitae, in Breast Cancer Information Core, and in Research Molecular Genetics Laboratory, Women's College Hospital; and as likely pathogenic by Counsyl and Clinvitae. The variant was also identified 4X in LOVD 3.0 database with a frequency of 0.001, in BIC 6X as Class 5 with clinical importance, and in ARUP Laboratories databases 1X as definitely pathogenic . The variant was identified in dbSNP (ID:rs 80358456) as â€šÃ„Ãºwith pathogenic alleleâ€šÃ„Ã¹, Cosmic, MutDB, UMD-LSDB, Zhejiang Colon Cancer databases or in the 1000 Genomes and the NHLBI GO sequencing projects. The variant was identified in control databases in 1 of 246026 chromosomes at a frequency of 0.000004 (Genome Aggregation Database Feb 27, 2017). Breakdown of the observations by population include European Finnish in 1 of 22280 chromosomes (freq: 0.00005), while the variant was not observed in the African, Other, Latino, European Non-Finnish, Ashkenazi Jewish, East Asian, and South Asian populations. The c.1689G>A variant leads to a premature stop codon at position 563 which is predicted to lead to a truncated or absent protein and loss of function. Loss of function variants of the BRCA2 gene are an established mechanism of disease in hereditary breast and ovarian cancer and is the type of variant expected to cause the disorder. In summary, based on the above information this variant meets our laboratoryâ€šÃ„Ã´s criteria to be classified as pathogenic.

Literature cited by the submitters: PubMed 15131399 (cited by 5 submitters); PubMed 20104584 (cited by Labcorp Genetics (formerly Invitae), Labcorp); PubMed 18955455 (cited by Quest Diagnostics Nichols Institute San Juan Capistrano and Counsyl); PubMed 25525159 (cited by Quest Diagnostics Nichols Institute San Juan Capistrano); PubMed 36551643 (cited by Quest Diagnostics Nichols Institute San Juan Capistrano); PubMed 29446198 (cited by Quest Diagnostics Nichols Institute San Juan Capistrano); PubMed 30720243 (cited by Quest Diagnostics Nichols Institute San Juan Capistrano); PubMed 33471991 (cited by Quest Diagnostics Nichols Institute San Juan Capistrano and Color Diagnostics, LLC DBA Color Health); PubMed 21702907 (cited by Women's Health and Genetics/Laboratory Corporation of America, LabCorp and Counsyl); PubMed 26586665 (cited by Women's Health and Genetics/Laboratory Corporation of America, LabCorp); PubMed 29262651 (cited by Color Diagnostics, LLC DBA Color Health); PubMed 20167696 (cited by Counsyl).